The following is an entry in ClinVar:

ClinVar aggregate classification (germline): Pathogenic/Likely pathogenic. Review status: criteria provided, multiple submitters, no conflicts (2 of 4 stars). 5 submissions from 5 submitters: Pathogenic (1); Likely pathogenic (4). Last evaluated 2026-05-25.

Conditions:
Hereditary cancer-predisposing syndrome. Also called: Tumor predisposition; Neoplastic Syndromes, Hereditary; Hereditary neoplastic syndrome; Hereditary Cancer Syndrome. Identifiers: Orphanet 140162, MedGen C0027672, MeSH D009386, MONDO:0015356.
Bloom syndrome (BLM). Also called: Bloom-Torre-Machacek syndrome. Identifiers: Orphanet 125, MedGen C0005859, MONDO:0008876, OMIM 210900.

Submissions (5):

Myriad Genetics, Inc.
Classification: Likely pathogenic for Bloom syndrome. Last evaluated: 2026-05-25. Review status: criteria provided, single submitter. Criteria: Myriad Autosomal Dominant, Autosomal Recessive and X-Linked Classification Criteria (2023). Collection method: clinical testing. Allele origin: unknown.
Comment: NM_000057.3(BLM):c.3358+1G>A is a variant in a canonical splice site classified as likely pathogenic in the context of Bloom syndrome. c.3358+1G>A has not been observed in cases with relevant disease. Relevant functional assessments of this variant are not available in the literature. c.3358+1G>A has not been observed in referenced population frequency databases. In summary, NM_000057.3(BLM):c.3358+1G>A is a variant in a canonical splice site in a gene where loss of function is a known mechanism of disease and is predicted to disrupt protein function. Please note: this variant was assessed in the context of healthy population screening.

Genomic Medicine Center of Excellence, King Faisal Specialist Hospital and Research Centre
Classification: Pathogenic for Bloom syndrome. Last evaluated: 2025-09-10. Review status: criteria provided, single submitter. Criteria: ACMG Guidelines, 2015. Collection method: clinical testing. Allele origin: germline.

Ambry Genetics
Classification: Likely pathogenic for Hereditary cancer-predisposing syndrome. Last evaluated: 2023-12-18. Review status: criteria provided, single submitter. Criteria: Ambry Variant Classification Scheme 2023. Collection method: clinical testing. Allele origin: germline.
Comment: The c.3358+1G>A intronic variant results from a G to A substitution one nucleotide after coding exon 16 of the BLM gene. This variant is considered to be rare based on population cohorts in the Genome Aggregation Database (gnomAD). This nucleotide position is highly conserved in available vertebrate species. In silico splice site analysis predicts that this alteration will weaken the native splice donor site. Alterations that disrupt the canonical splice site are expected to cause aberrant splicing, resulting in an abnormal protein or a transcript that is subject to nonsense-mediated mRNA decay. As such, this alteration is classified as likely pathogenic.

Baylor Genetics
Classification: Likely pathogenic for Bloom syndrome. Last evaluated: 2023-02-16. Review status: criteria provided, single submitter. Criteria: ACMG Guidelines, 2015. Collection method: clinical testing. Allele origin: unknown.

Labcorp Genetics (formerly Invitae), Labcorp
Classification: Likely pathogenic for Bloom syndrome. Last evaluated: 2022-10-03. Review status: criteria provided, single submitter. Criteria: Invitae Variant Classification Sherloc (09022015). Collection method: clinical testing. Allele origin: germline.
Comment: This variant is not present in population databases (gnomAD no frequency). This sequence change affects a donor splice site in intron 17 of the BLM gene. It is expected to disrupt RNA splicing. Variants that disrupt the donor or acceptor splice site typically lead to a loss of protein function (PMID: 16199547), and loss-of-function variants in BLM are known to be pathogenic (PMID: 17407155). This variant has not been reported in the literature in individuals affected with BLM-related conditions. Algorithms developed to predict the effect of sequence changes on RNA splicing suggest that this variant may disrupt the consensus splice site. In summary, the currently available evidence indicates that the variant is pathogenic, but additional data are needed to prove that conclusively. Therefore, this variant has been classified as Likely Pathogenic.

Literature cited by the submitters: PubMed 16199547 (cited by Labcorp Genetics (formerly Invitae), Labcorp); PubMed 17407155 (cited by Labcorp Genetics (formerly Invitae), Labcorp).

NM_000057.4(BLM):c.3358+1G>A

Gene: BLM (BLM RecQ like helicase; plus strand). Cytogenetic location: 15q26.1.
Variant type: single nucleotide variant.
Coding change: c.3358+1G>A on transcript NM_000057.4 (MANE Select); the canonical splice donor site of the intron after coding-DNA position 3358, G replaced by A.
Molecular consequence: splice donor variant.
Genome position (GRCh38, 1-based): chr15:90,798,338, G>A. VCF-style: chr15-90798338-G-A. GRCh37 (hg19) VCF-style: chr15-91341568-G-A.
Other names: c.3358+1G>A (NM_001287246.2, NM_001287247.2, NM_000057.2); c.2233+1G>A (NM_001287248.2).
Identifiers: ClinVar variation 2033808 (VCV002033808.8), dbSNP rs1214154774, ClinGen allele CA393847415.
Genomic context (GRCh38, chr15:90,798,338, plus strand): 5'-TAAAACATGTAGGTCCTTCTGGAAGATTTACTATGAATATGCTGGTCGACATTTTCTTGG[G>A]TAAGTCATCTGTTTTGAATGTTTGAGTTACTTCAATTGAAATTGAACATCTAAAGAATTT-3'